The following is an entry in ClinVar:

ClinVar aggregate classification (germline): Uncertain significance (1 of 4 stars; one submission).

Conditions:
MAGEL2-related disorder. Also called: MAGEL2-related condition.

Submission:

PreventionGenetics, part of Exact Sciences
Classification: Uncertain significance for MAGEL2-related condition. Last evaluated: 2026-01-13. Review status: criteria provided, single submitter. Criteria: ACMG Guidelines, 2015. Collection method: clinical testing. Allele origin: germline.
Comment: The MAGEL2 c.856G>A variant is predicted to result in the amino acid substitution p.Val286Ile. To our knowledge, this variant has not been reported in the literature or in a large population database (gnomAD), indicating this variant is rare. At this time, the clinical significance of this variant is uncertain due to the absence of conclusive functional and genetic evidence.

NM_019066.5(MAGEL2):c.856G>A (p.Val286Ile)

Gene: MAGEL2 (MAGE family member L2; minus strand). Cytogenetic location: 15q11.2.
Variant type: single nucleotide variant.
Coding change: c.856G>A on transcript NM_019066.5 (MANE Select); coding-DNA position 856, G replaced by A.
Protein change: p.Val286Ile; replaces valine 286 with isoleucine.
Molecular consequence: missense variant.
Genome position (GRCh38, 1-based): chr15:23,646,887, C>T on the plus strand (G>A on the coding strand, the complement: MAGEL2 is on the minus strand). VCF-style: chr15-23646887-C-T. GRCh37 (hg19) VCF-style: chr15-23892034-C-T.
Other names: short protein forms V286I.
Identifiers: ClinVar variation 4990906 (VCV004990906.1).